The following is an entry in ClinVar:

NM_000069.3(CACNA1S):c.1101G>C (p.Met367Ile)

Gene: CACNA1S (calcium voltage-gated channel subunit alpha1 S; minus strand). Cytogenetic location: 1q32.1.
Variant type: single nucleotide variant.
Coding change: c.1101G>C on transcript NM_000069.3 (MANE Select); coding-DNA position 1101, G replaced by C.
Protein change: p.Met367Ile; replaces methionine 367 with isoleucine.
Molecular consequence: missense variant.
Genome position (GRCh38, 1-based): chr1:201,085,485, C>G on the plus strand (G>C on the coding strand, the complement: CACNA1S is on the minus strand). VCF-style: chr1-201085485-C-G. GRCh37 (hg19) VCF-style: chr1-201054613-C-G.
Other names: short protein forms M367I.
Identifiers: ClinVar variation 3384503 (VCV003384503.1).
Genomic context (GRCh38, chr1:201,085,485, plus strand): 5'-TGGGCCCAAACCTTCTCTGAAGTCCTCAACATCCATGACCTCGCCCTGCGTGATCCAGCT[C>G]ATGTAGCCCCGAAGGTCCTCATCTAGTTGCTGCTTCTCCCGGAGCTTCTGGAAGGTTCCC-3'
Protein context (NP_000060.2, residues 357-377): QQLDEDLRGY[Met367Ile]SWITQGEVMD

ClinVar aggregate classification (germline): Uncertain significance (1 of 4 stars; one submission).

Submission:

GeneDx
Classification: Uncertain significance. Last evaluated: 2024-06-03. Review status: criteria provided, single submitter. Criteria: GeneDx Variant Classification Process June 2021. Collection method: clinical testing. Allele origin: germline. Affected: yes.
Comment: Not observed at significant frequency in large population cohorts (gnomAD); In silico analysis indicates that this missense variant does not alter protein structure/function; Has not been previously published as pathogenic or benign to our knowledge